The following is an entry in ClinVar:

ClinVar aggregate classification (germline): Pathogenic/Likely pathogenic. Review status: criteria provided, multiple submitters, no conflicts (2 of 4 stars). 4 submissions from 4 submitters: Pathogenic (3); Likely pathogenic (1). Last evaluated 2025-12-01.

Conditions:
Polycystic kidney disease 4 (PKD4). Also called: PKD3; Autosomal Recessive Polycystic Kidney Disease – PKHD1; POLYCYSTIC KIDNEY AND HEPATIC DISEASE 1; POLYCYSTIC KIDNEY DISEASE, INFANTILE, TYPE I; POLYCYSTIC KIDNEY DISEASE 4 WITH OR WITHOUT POLYCYSTIC LIVER DISEASE. Identifiers: MedGen C4540575, MONDO:0033004, OMIM 263200.
Autosomal recessive polycystic kidney disease (ARPKD). Also called: AR polycystic kidney disease. Identifiers: Orphanet 731, Orphanet 8378, MedGen C0085548, MeSH D017044, MONDO:0009889.

Submissions (4):

Natera, Inc.
Classification: Pathogenic for Autosomal recessive polycystic kidney disease. Last evaluated: 2025-12-01. Review status: criteria provided, single submitter. Criteria: Natera Variant Classification Schema (03/2026). Collection method: clinical testing. Allele origin: germline.
Comment: The c.390+1G>A variant in PKHD1 is a canonical splice donor site variant predicted to affect pre-mRNA splicing, which may result in an abnormal transcript and altered protein product. This variant is expected to result in nonsense mediated decay, truncation, or a dysfunctional protein product. This variant is rare in the general population with a frequency below the threshold expected for the associated phenotype(s). This variant has been observed in one or more individuals affected with the associated recessive disease, as either homozygous or compound heterozygous with a second variant (PMID: 33282801). Given the available evidence, this variant is classified as Pathogenic.

Baylor Genetics
Classification: Pathogenic for Polycystic kidney disease 4. Last evaluated: 2021-10-31. Review status: criteria provided, single submitter. Criteria: ACMG Guidelines, 2015. Collection method: clinical testing. Allele origin: unknown.

Labcorp Genetics (formerly Invitae), Labcorp
Classification: Likely pathogenic for Autosomal recessive polycystic kidney disease. Last evaluated: 2021-02-21. Review status: criteria provided, single submitter. Criteria: Invitae Variant Classification Sherloc (09022015). Collection method: clinical testing. Allele origin: germline.
Comment: Disruption of this splice site has been observed in individual(s) with polycystic kidney disease (PMID: 12874454). ClinVar contains an entry for this variant (Variation ID: 978798). This variant is not present in population databases (ExAC no frequency). This sequence change affects a donor splice site in intron 5 of the PKHD1 gene. It is expected to disrupt RNA splicing. Variants that disrupt the donor or acceptor splice site typically lead to a loss of protein function (PMID: 16199547), and loss-of-function variants in PKHD1 are known to be pathogenic (PMID: 19940839). In summary, the currently available evidence indicates that the variant is pathogenic, but additional data are needed to prove that conclusively. Therefore, this variant has been classified as Likely Pathogenic. Algorithms developed to predict the effect of sequence changes on RNA splicing suggest that this variant may disrupt the consensus splice site, but this prediction has not been confirmed by published transcriptional studies.

Laboratory of Molecular Genetics, Children's Memorial Health Institute
Classification: Pathogenic for Polycystic kidney disease 4. Last evaluated: 2020-09-25. Review status: criteria provided, single submitter. Criteria: ACMG Guidelines, 2015. Collection method: clinical testing. Allele origin: unknown. Inheritance: Autosomal recessive inheritance. Affected: yes. Observed: 1 compound heterozygote.

Literature cited by the submitters: PubMed 33282801 (cited by Natera, Inc.); PubMed 12874454 (cited by Labcorp Genetics (formerly Invitae), Labcorp); PubMed 16199547 (cited by Labcorp Genetics (formerly Invitae), Labcorp); PubMed 19940839 (cited by Labcorp Genetics (formerly Invitae), Labcorp).

NM_138694.4(PKHD1):c.390+1G>A

Gene: PKHD1 (PKHD1 ciliary IPT domain containing fibrocystin/polyductin; minus strand). Cytogenetic location: 6p12.2.
Variant type: single nucleotide variant.
Coding change: c.390+1G>A on transcript NM_138694.4 (MANE Select); the canonical splice donor site of the intron after coding-DNA position 390, G replaced by A.
Molecular consequence: splice donor variant.
Genome position (GRCh38, 1-based): chr6:52,079,899, C>T on the plus strand (G>A on the coding strand, the complement: PKHD1 is on the minus strand). VCF-style: chr6-52079899-C-T. GRCh37 (hg19) VCF-style: chr6-51944697-C-T.
Other names: c.390+1G>A (NM_170724.3).
Identifiers: ClinVar variation 978798 (VCV000978798.12), dbSNP rs752327566, ClinGen allele CA364439345.